The following is an entry in ClinVar:

ClinVar aggregate classification (germline): Pathogenic (1 of 4 stars; one submission).

Conditions:
Hereditary spastic paraplegia 48. Also called: SPASTIC PARAPLEGIA 48, AUTOSOMAL RECESSIVE; Spastic paraplegia 48. Identifiers: Orphanet 306511, MedGen C3150901, MONDO:0013342, OMIM 613647.

Allele frequency attached by ClinVar (database versions not stated): gnomAD exomes below 0.00001; ExAC 0.00002; gnomAD 0.00003 and 0.00004; TOPMed 0.00006.
gnomAD v4.1: 7 of 1,613,556 alleles (0.00043%); highest among the groups gnomAD compares: African/African-American, 0.008%; no homozygotes.

Submission:

Baylor Genetics
Classification: Pathogenic for Hereditary spastic paraplegia 48. Last evaluated: 2018-01-16. Review status: criteria provided, single submitter. Criteria: ACMG Guidelines, 2015. Collection method: clinical testing. Allele origin: maternal. Affected: yes.
Comment: This variant was determined to be pathogenic according to ACMG Guidelines, 2015 [PMID:25741868].

NM_014855.3(AP5Z1):c.158C>A (p.Ser53Ter)

Gene: AP5Z1 (adaptor related protein complex 5 subunit zeta 1; plus strand). Cytogenetic location: 7p22.1.
Variant type: single nucleotide variant.
Coding change: c.158C>A on transcript NM_014855.3 (MANE Select); coding-DNA position 158, C replaced by A.
Protein change: p.Ser53Ter; replaces serine 53 with a stop codon.
Molecular consequence: nonsense. On other transcripts: 5 prime UTR variant (1), non-coding transcript variant (1).
Genome position (GRCh38, 1-based): chr7:4,781,291, C>A. VCF-style: chr7-4781291-C-A. GRCh37 (hg19) VCF-style: chr7-4820922-C-A.
Other names: c.-124C>A (NM_001364858.1); short protein forms S53*.
Identifiers: ClinVar variation 1033302 (VCV001033302.1), dbSNP rs774738874, ClinGen allele CA4137063.